The following is an entry in ClinVar:

ClinVar aggregate classification (germline): Pathogenic. Review status: criteria provided, multiple submitters, no conflicts (2 of 4 stars). 3 submissions from 3 submitters: Pathogenic (3). Last evaluated 2025-03-21.

Conditions:
Polycystic kidney disease, adult type (PKD1). Also called: POLYCYSTIC KIDNEY DISEASE 1 WITH OR WITHOUT POLYCYSTIC LIVER DISEASE; POLYCYSTIC KIDNEY DISEASE, ADULT, TYPE I; Polycystic Kidney Disease 1, Autosomal Dominant; Polycystic kidney disease 1; Polycystic kidney disease 1, severe; Polycystic Kidney, Autosomal Dominant. Identifiers: MedGen C3149841, MONDO:0008263, OMIM 173900.

Submissions (3):

GeneDx
Classification: Pathogenic. Last evaluated: 2025-03-21. Review status: criteria provided, single submitter. Criteria: GeneDx Variant Classification Process June 2021. Collection method: clinical testing. Allele origin: germline. Affected: yes.
Comment: Frameshift variant predicted to result in protein truncation or nonsense mediated decay in a gene for which loss of function is a known mechanism of disease; Not observed at significant frequency in large population cohorts (gnomAD); This variant is associated with the following publications: (PMID: 35325889)

Fulgent Genetics
Classification: Pathogenic for Polycystic kidney disease, adult type. Last evaluated: 2021-06-30. Review status: criteria provided, single submitter. Criteria: ACMG Guidelines, 2015. Collection method: clinical testing. Allele origin: unknown.
Comment: This variant has been detected in individual(s) who were sent for testing of Renasight - kidney gene panel.

Juno Genomics, Hangzhou Juno Genomics, Inc
Classification: Pathogenic for Polycystic kidney disease, adult type. Review status: criteria provided, single submitter. Criteria: ACMG Guidelines, 2015. Collection method: clinical testing. Allele origin: germline. Affected: yes.
Comment: Absent from controls (or at extremely low frequency if recessive) in Genome Aggregation Database, Exome Sequencing Project, 1000 Genomes Project, or Exome Aggregation Consortium.;Null variant in a gene where loss of function (LOF) is a known mechanism of disease.;Patient's phenotype or family history is highly specific for a disease with a single genetic etiology.

NM_001009944.3(PKD1):c.10516del (p.Glu3506fs)

Genes: PKD1 (polycystin 1, transient receptor potential channel interacting; minus strand), PKD1-AS1 (PKD1 antisense RNA 1; plus strand). Cytogenetic location: 16p13.3.
Variant type: Deletion.
Coding change: c.10516del on transcript NM_001009944.3 (MANE Select); coding-DNA position 10516, one base deleted (G; older notation c.10516delG).
Protein change: p.Glu3506fs; shifts the reading frame from glutamic acid 3506.
Molecular consequence: frameshift variant.
Genome position (GRCh38, 1-based): chr16:2,094,194, C deleted on the plus strand (G on the coding strand, the reverse complement: PKD1 is on the minus strand); the first of 4 consecutive C bases (chr16:2,094,194-2,094,197); deleting any one gives the same sequence. VCF-style (leftmost placement, unchanged base first): chr16-2094193-TC-T. GRCh37 (hg19) VCF-style: chr16-2144194-TC-T.
Other names: c.10513del, p.Glu3505fs (NM_000296.4); short protein forms E3505fs, E3506fs.
Identifiers: ClinVar variation 1179066 (VCV001179066.5), dbSNP rs2151710519, ClinGen allele CA2499223367.